The following is an entry in ClinVar:

ClinVar aggregate classification (germline): Uncertain significance. Review status: criteria provided, multiple submitters, no conflicts (2 of 4 stars). 2 submissions from 2 submitters: Uncertain significance (2). Last evaluated 2022-12-29.

Allele frequency attached by ClinVar (database versions not stated): gnomAD exomes 0.00001 and 0.00002; ExAC 0.00002; TOPMed 0.00003; ESP Exome Variant Server 0.00008.
gnomAD v4.1: 15 of 1,613,738 alleles (0.00093%); highest among the groups gnomAD compares: African/African-American, 0.0027%; no homozygotes.

Submissions (2):

Ambry Genetics
Classification: Uncertain significance. Last evaluated: 2022-12-29. Review status: criteria provided, single submitter. Criteria: Ambry Variant Classification Scheme 2023. Collection method: clinical testing. Allele origin: germline.
Comment: The p.K1116E variant (also known as c.3346A>G), located in coding exon 17 of the NPAT gene, results from an A to G substitution at nucleotide position 3346. The lysine at codon 1116 is replaced by glutamic acid, an amino acid with similar properties. This amino acid position is conserved. In addition, this alteration is predicted to be tolerated by in silico analysis. Since supporting evidence is limited at this time, the clinical significance of this alteration remains unclear.

Genetic Services Laboratory, University of Chicago
Classification: Uncertain significance. Last evaluated: 2019-07-24. Review status: criteria provided, single submitter. Criteria: ACMG Guidelines, 2015. Collection method: clinical testing. Allele origin: germline. Affected: no.

NM_002519.3(NPAT):c.3346A>G (p.Lys1116Glu)

Gene: NPAT (nuclear protein, coactivator of histone transcription; minus strand). Cytogenetic location: 11q22.3.
Variant type: single nucleotide variant.
Coding change: c.3346A>G on transcript NM_002519.3 (MANE Select); coding-DNA position 3346, A replaced by G.
Protein change: p.Lys1116Glu; replaces lysine 1116 with glutamic acid.
Molecular consequence: missense variant.
Genome position (GRCh38, 1-based): chr11:108,161,740, T>C on the plus strand (A>G on the coding strand, the complement: NPAT is on the minus strand). VCF-style: chr11-108161740-T-C. GRCh37 (hg19) VCF-style: chr11-108032467-T-C.
Other names: c.3367A>G, p.Lys1123Glu (NM_001321307.1); short protein forms K1116E, K1123E.
Identifiers: ClinVar variation 1337293 (VCV001337293.6), dbSNP rs370946900, ClinGen allele CA6263596.